The following is an entry in ClinVar:

NM_000815.5(GABRD):c.775G>A (p.Val259Ile)

Gene: GABRD (gamma-aminobutyric acid type A receptor subunit delta; plus strand). Cytogenetic location: 1p36.33.
Variant type: single nucleotide variant.
Coding change: c.775G>A on transcript NM_000815.5 (MANE Select); coding-DNA position 775, G replaced by A.
Protein change: p.Val259Ile; replaces valine 259 with isoleucine.
Molecular consequence: missense variant.
Genome position (GRCh38, 1-based): chr1:2,029,194, G>A. VCF-style: chr1-2029194-G-A. GRCh37 (hg19) VCF-style: chr1-1960633-G-A.
Other names: short protein forms V259I.
Identifiers: ClinVar variation 235308 (VCV000235308.15), dbSNP rs148908731, ClinGen allele CA534789.

ClinVar aggregate classification (germline): Conflicting classifications of pathogenicity. Review status: criteria provided, conflicting classifications (1 of 4 stars). 4 submissions from 4 submitters: Uncertain significance (1); Likely benign (1). 2 of the submissions do not count toward it. Last evaluated 2026-01-26.

Conditions:
GABRD-related disorder. Also called: GABRD-related condition.
Idiopathic generalized epilepsy. Also called: EIG; Generalised epilepsy. Identifiers: MedGen C0270850, MONDO:0005579, OMIM 600669.
EEG abnormality. Also called: EEG abnormalities; Electroencephalogram (EEG) abnormalities. Identifiers: MedGen C0151611, HP:0002353.

Allele frequency attached by ClinVar (database versions not stated): ESP Exome Variant Server 0.00054; 1000 Genomes Project 0.00060; 1000 Genomes Project 30x 0.00094; gnomAD exomes 0.00007 and 0.00009; ExAC 0.00037; gnomAD 0.00039 and 0.00042; TOPMed 0.00049.
gnomAD v4.1: 160 of 1,566,038 alleles (0.01%); highest among the groups gnomAD compares: African/African-American, 0.092%; 1 homozygote.

Submissions (4):

Labcorp Genetics (formerly Invitae), Labcorp
Classification: Likely benign for Idiopathic generalized epilepsy. Last evaluated: 2026-01-26. Review status: criteria provided, single submitter. Criteria: Invitae Variant Classification Sherloc (09022015). Collection method: clinical testing. Allele origin: germline.

Center for Pediatric Genomic Medicine, Children's Mercy Hospital and Clinics
Classification: Uncertain significance. Last evaluated: 2016-02-01. Review status: criteria provided, single submitter. Criteria: ACMG Guidelines, 2015. Collection method: clinical testing. Allele origin: germline.
ClinVar note: Converted during submission from Uncertain Significance to Uncertain significance.

PreventionGenetics, part of Exact Sciences
Classification: Likely benign for GABRD-related condition. Last evaluated: 2022-12-20. Review status: no assertion criteria provided. Collection method: clinical testing. Allele origin: germline. Not counted in ClinVar's aggregate classification.
Comment: This variant is classified as likely benign based on ACMG/AMP sequence variant interpretation guidelines (Richards et al. 2015 PMID: 25741868, with internal and published modifications).

Clinical Molecular Genetics Laboratory, Johns Hopkins All Children's Hospital
Classification: Uncertain significance for Electroencephalogram (EEG) abnormalities. Last evaluated: 2016-09-02. Review status: no assertion criteria provided. Collection method: clinical testing. Allele origin: germline. Affected: yes. Not counted in ClinVar's aggregate classification.